The following is an entry in ClinVar:

NM_001166114.2(PNPLA6):c.1570G>A (p.Ala524Thr)

Gene: PNPLA6 (patatin like domain 6, lysophospholipase; plus strand). Cytogenetic location: 19p13.2.
Variant type: single nucleotide variant.
Coding change: c.1570G>A on transcript NM_001166114.2 (MANE Select); coding-DNA position 1570, G replaced by A.
Protein change: p.Ala524Thr; replaces alanine 524 with threonine.
Molecular consequence: missense variant. On other transcripts: intron variant (1).
Genome position (GRCh38, 1-based): chr19:7,543,046, G>A. VCF-style: chr19-7543046-G-A. GRCh37 (hg19) VCF-style: chr19-7607932-G-A.
Other names: c.1597G>A, p.Ala533Thr (NM_001166111.2); c.1453G>A, p.Ala485Thr (NM_001166113.1, NM_006702.5); c.1413+118G>A (NM_001166112.2); short protein forms A485T, A524T, A533T.
Identifiers: ClinVar variation 423302 (VCV000423302.8), dbSNP rs763642095, ClinGen allele CA9139866.

ClinVar aggregate classification (germline): Uncertain significance. Review status: criteria provided, multiple submitters, no conflicts (2 of 4 stars). 2 submissions from 2 submitters: Uncertain significance (2). Last evaluated 2020-11-12.

Conditions:
Hereditary spastic paraplegia 39 (SPG39). Also called: SPASTIC PARAPLEGIA 39, AUTOSOMAL RECESSIVE; Spastic Paraplegia Type 39 (SPG39). Identifiers: Orphanet 139480, MedGen C2677586, MONDO:0012787, OMIM 612020.

Allele frequency attached by ClinVar (database versions not stated): gnomAD 0.00001; gnomAD exomes 0.00001 and 0.00002; ExAC 0.00002; TOPMed 0.00002.
gnomAD v4.1: 19 of 1,613,650 alleles (0.0012%); highest among the groups gnomAD compares: South Asian, 0.0077%; no homozygotes.

Submissions (2):

Labcorp Genetics (formerly Invitae), Labcorp
Classification: Uncertain significance for Hereditary spastic paraplegia 39. Last evaluated: 2020-11-12. Review status: criteria provided, single submitter. Criteria: Invitae Variant Classification Sherloc (09022015). Collection method: clinical testing. Allele origin: germline.
Comment: This sequence change replaces alanine with threonine at codon 485 of the PNPLA6 protein (p.Ala485Thr). The alanine residue is moderately conserved and there is a small physicochemical difference between alanine and threonine. This variant is present in population databases (rs763642095, ExAC 0.01%). This variant has not been reported in the literature in individuals with PNPLA6-related disease. ClinVar contains an entry for this variant (Variation ID: 423302). Algorithms developed to predict the effect of missense changes on protein structure and function output the following: SIFT: "Tolerated"; PolyPhen-2: "Probably Damaging"; Align-GVGD: "Class C0". The threonine amino acid residue is found in multiple mammalian species, suggesting that this missense change does not adversely affect protein function. These predictions have not been confirmed by published functional studies and their clinical significance is uncertain. In summary, the available evidence is currently insufficient to determine the role of this variant in disease. Therefore, it has been classified as a Variant of Uncertain Significance.

GeneDx
Classification: Uncertain significance. Last evaluated: 2017-02-10. Review status: criteria provided, single submitter. Criteria: GeneDx Variant Classification (06012015). Collection method: clinical testing. Allele origin: germline. Affected: yes.
Comment: A variant of uncertain significance has been identified in the PNPLA6 gene. The A485T variant has not been published as a pathogenic variant, nor has it been reported as a benign variant to our knowledge. The A485T variant is not observed at a significant frequency in large population cohorts (Lek et al., 2016; 1000 Genomes Consortium et al., 2015; Exome Variant Server). The A485T variant is a non-conservative amino acid substitution, which is likely to impact secondary protein structure as these residues differ in polarity, charge, size and/or other properties. This substitution occurs at a position that is conserved across species. However, in silico analysis is inconsistent in its predictions as to whether or not the variant is damaging to the protein structure/function. Therefore, based on the currently available information, it is unclear whether this variant is a pathogenic variant or a rare benign variant.